The following is an entry in ClinVar:

NM_005199.5(CHRNG):c.710_711delinsAA (p.Ile237Lys)

Gene: CHRNG (cholinergic receptor nicotinic gamma subunit; plus strand). Cytogenetic location: 2q37.1.
Variant type: Indel.
Coding change: c.710_711delinsAA on transcript NM_005199.5 (MANE Select); coding-DNA positions 710 to 711, TC replaced by AA.
Protein change: p.Ile237Lys; replaces isoleucine 237 with lysine.
Molecular consequence: missense variant.
Genome position (GRCh38, 1-based): chr2:232,542,987-232,542,988, TC replaced by AA. VCF-style: chr2-232542987-TC-AA. GRCh37 (hg19) VCF-style: chr2-233407697-TC-AA.
Other names: short protein forms I237K.
Identifiers: ClinVar variation 692272 (VCV000692272.5), dbSNP rs1574645121, ClinGen allele CA915941787.
Genomic context (GRCh38, chr2:232,542,987, plus strand): 5'-TGGACCCAGCGGCGCCAGCCCAGGAAGCAGGCCACCAGAAGGTGGTGTTCTACCTGCTCA[TC>AA]CAGCGCAAGCCCCTCTTCTACGTCATCAACATCATCGCCCCCTGTGTGCTCATCTCCTCT-3'
Protein context (NP_005190.4, residues 227-247): GHQKVVFYLL[Ile237Lys]QRKPLFYVIN

ClinVar aggregate classification (germline): Likely pathogenic. Review status: criteria provided, multiple submitters, no conflicts (2 of 4 stars). 3 submissions from 3 submitters: Likely pathogenic (3). Last evaluated 2024-03-20.

Conditions:
Fetal akinesia deformation sequence 1 (FADS1). Also called: Pena-Shokeir syndrome type I; Fetal akinesia sequence. Identifiers: Orphanet 994, MedGen C1276035, MONDO:0100101, OMIM 208150, HP:0001989.
Arthrogryposis multiplex congenita (AMC). Also called: Congenital multiple arthrogryposis; Fibrous ankylosis of multiple joints; Congenital arthromyodysplasia; Myodystrophia fetalis deformans; Otto syndrome; Rocher-Sheldon syndrome. Identifiers: Orphanet 1037, MedGen C5779613, MeSH D001176, MONDO:0015168, HP:0002804.
Autosomal recessive multiple pterygium syndrome. Also called: PTERYGIUM COLLI SYNDROME; PTERYGIUM SYNDROME; PTERYGIUM UNIVERSALE; MULTIPLE PTERYGIUM SYNDROME, ESCOBAR VARIANT. Identifiers: Orphanet 2990, MedGen C0265261, MONDO:0009926, OMIM 265000.
Lethal multiple pterygium syndrome (LMPS). Identifiers: Orphanet 33108, MedGen C1854678, MONDO:0009668, OMIM 253290.

Submissions (3):

Fulgent Genetics
Classification: Likely pathogenic for Lethal multiple pterygium syndrome; Autosomal recessive multiple pterygium syndrome. Last evaluated: 2024-03-20. Review status: criteria provided, single submitter. Criteria: ACMG Guidelines, 2015. Collection method: clinical testing. Allele origin: germline.

Women's Health and Genetics/Laboratory Corporation of America, LabCorp
Classification: Likely pathogenic for Lethal multiple pterygium syndrome. Last evaluated: 2024-03-20. Review status: criteria provided, single submitter. Criteria: LabCorp Variant Classification Summary - May 2015. Collection method: clinical testing. Allele origin: germline.
Comment: Variant summary: CHRNG c.710_711delinsAA (p.Ile237Lys) results in a non-conservative amino acid change in the encoded protein sequence. Two of two in-silico tools predict a damaging effect of the variant on protein function. The variant was absent in 251490 control chromosomes. c.710_711delinsAA has been reported in the literature in individuals affected with Lethal Multiple Pterygium Syndrome - CHRNG Related (Pergande_2020). These data indicate that the variant is likely to be associated with disease. To our knowledge, no experimental evidence demonstrating an impact on protein function has been reported. The following publication have been ascertained in the context of this evaluation (PMID: 31680123). ClinVar contains an entry for this variant (Variation ID: 692272). Based on the evidence outlined above, the variant was classified as likely pathogenic.

Cirak Lab, University Hospital Cologne
Classification: Likely pathogenic for Arthrogryposis multiplex congenita; Fetal akinesia sequence. Last evaluated: 2019-06-28. Review status: criteria provided, single submitter. Criteria: ACMG Guidelines, 2015. Collection method: research. Allele origin: inherited. Affected: yes. Observed: 2 variant alleles.

Literature cited by the submitters: PubMed 31680123 (cited by Women's Health and Genetics/Laboratory Corporation of America, LabCorp and Cirak Lab, University Hospital Cologne).